The following is an entry in ClinVar:

NM_000455.5(STK11):c.657C>T (p.Phe219=)

Gene: STK11 (serine/threonine kinase 11; plus strand). Cytogenetic location: 19p13.3.
Variant type: single nucleotide variant.
Coding change: c.657C>T on transcript NM_000455.5 (MANE Select); coding-DNA position 657, C replaced by T.
Protein change: p.Phe219=; no amino-acid change (phenylalanine 219 retained).
Molecular consequence: synonymous variant.
Genome position (GRCh38, 1-based): chr19:1,220,640, C>T. VCF-style: chr19-1220640-C-T. GRCh37 (hg19) VCF-style: chr19-1220639-C-T.
Identifiers: ClinVar variation 458057 (VCV000458057.19), dbSNP rs1326889544, ClinGen allele CA504892395.

ClinVar aggregate classification (germline): Conflicting classifications of pathogenicity. Review status: criteria provided, conflicting classifications (1 of 4 stars). 6 submissions from 6 submitters: Uncertain significance (1); Benign (1); Likely benign (4). Last evaluated 2025-11-18.

Conditions:
Hereditary cancer-predisposing syndrome. Also called: Hereditary Cancer Syndrome; Hereditary neoplastic syndrome; Tumor predisposition; Neoplastic Syndromes, Hereditary. Identifiers: Orphanet 140162, MedGen C0027672, MeSH D009386, MONDO:0015356.
Peutz-Jeghers syndrome (PJS). Also called: POLYPOSIS, HAMARTOMATOUS INTESTINAL; POLYPS-AND-SPOTS SYNDROME; Peutz-Jeghers polyposis; Periorificial lentiginosis syndrome. Identifiers: Orphanet 2869, MedGen C0031269, MeSH D010580, MONDO:0008280, OMIM 175200.

Allele frequency attached by ClinVar (database versions not stated): gnomAD exomes 0.00001.
gnomAD v4.1: 3 of 1,608,426 alleles (0.00019%); highest among the groups gnomAD compares: East Asian, 0.0067%; no homozygotes.

Submissions (6):

Labcorp Genetics (formerly Invitae), Labcorp
Classification: Likely benign for Peutz-Jeghers syndrome. Last evaluated: 2025-11-18. Review status: criteria provided, single submitter. Criteria: Invitae Variant Classification Sherloc (09022015). Collection method: clinical testing. Allele origin: germline.

Myriad Genetics, Inc.
Classification: Benign for Peutz-Jeghers syndrome. Last evaluated: 2025-03-26. Review status: criteria provided, single submitter. Criteria: Myriad Autosomal Dominant, Autosomal Recessive and X-Linked Classification Criteria (2023). Collection method: clinical testing. Allele origin: unknown.
Comment: This variant is considered benign. This variant is a silent/synonymous amino acid change and it is not expected to impact splicing.

All of Us Research Program, National Institutes of Health
Classification: Likely benign for Peutz-Jeghers syndrome. Last evaluated: 2023-12-01. Review status: criteria provided, single submitter. Criteria: ACMG Guidelines, 2015. Collection method: clinical testing. Allele origin: germline. Inheritance: Autosomal dominant inheritance. Observed: 2 variant alleles, 2 heterozygotes.
Comment: This study involves interpretation of variants in research participants for the purpose of population health screening. Participant phenotype was not available at the time of variant classification. Additional details can be found in publication PMID: 35346344, PMCID: PMC8962531

Quest Diagnostics Nichols Institute San Juan Capistrano
Classification: Uncertain significance. Last evaluated: 2023-03-03. Review status: criteria provided, single submitter. Criteria: Quest Diagnostics criteria. Collection method: clinical testing. Allele origin: unknown.
Comment: To the best of our knowledge, the variant has not been reported in the published literature. The frequency of this variant in the general population, 0.0000085 (2/236670 chromosomes), is uninformative in assessment of its pathogenicity. Analysis of this variant using software algorithms for the prediction of the effect of nucleotide changes on splicing yielded predictions that this variant does not affect STK11 mRNA splicing . Based on the available information, we are unable to determine the clinical significance of this variant.

Ambry Genetics
Classification: Likely benign for Hereditary cancer-predisposing syndrome. Last evaluated: 2022-02-22. Review status: criteria provided, single submitter. Criteria: Ambry Variant Classification Scheme 2023. Collection method: clinical testing. Allele origin: germline.

Color Diagnostics, LLC DBA Color Health
Classification: Likely benign for Hereditary cancer-predisposing syndrome. Last evaluated: 2016-11-28. Review status: criteria provided, single submitter. Criteria: ACMG Guidelines, 2015. Collection method: clinical testing. Allele origin: germline.